The following is an entry in ClinVar:

ClinVar aggregate classification (germline): Benign/Likely benign. Review status: criteria provided, multiple submitters, no conflicts (2 of 4 stars). 3 submissions from 3 submitters: Benign (1); Likely benign (1). 1 of the submissions does not count toward it. Last evaluated 2026-01-11.

Conditions:
DCHS1-related disorder. Also called: DCHS1-related condition.

Allele frequency attached by ClinVar (database versions not stated): gnomAD 0.00010; TOPMed 0.00025; gnomAD exomes 0.00205 and 0.00409; ExAC 0.00481; 1000 Genomes Project 30x 0.00796; 1000 Genomes Project 0.00919.
gnomAD v4.1: 3,187 of 1,613,952 alleles (0.2%); highest among the groups gnomAD compares: South Asian, 3.3%; 71 homozygotes.

Submissions (3):

Labcorp Genetics (formerly Invitae), Labcorp
Classification: Benign. Last evaluated: 2026-01-11. Review status: criteria provided, single submitter. Criteria: Invitae Variant Classification Sherloc (09022015). Collection method: clinical testing. Allele origin: germline.

GeneDx
Classification: Likely benign. Last evaluated: 2020-03-01. Review status: criteria provided, single submitter. Criteria: GeneDx Variant Classification Process June 2021. Collection method: clinical testing. Allele origin: germline. Affected: yes.

PreventionGenetics, part of Exact Sciences
Classification: Benign for DCHS1-related condition. Last evaluated: 2024-09-14. Review status: no assertion criteria provided. Collection method: clinical testing. Allele origin: germline. Not counted in ClinVar's aggregate classification.
Comment: This variant is classified as benign based on ACMG/AMP sequence variant interpretation guidelines (Richards et al. 2015 PMID: 25741868, with internal and published modifications).

NM_003737.4(DCHS1):c.3176C>A (p.Ala1059Glu)

Gene: DCHS1 (dachsous cadherin-related 1; minus strand). Cytogenetic location: 11p15.4.
Variant type: single nucleotide variant.
Coding change: c.3176C>A on transcript NM_003737.4 (MANE Select); coding-DNA position 3176, C replaced by A.
Protein change: p.Ala1059Glu; replaces alanine 1059 with glutamic acid.
Molecular consequence: missense variant.
Genome position (GRCh38, 1-based): chr11:6,632,336, G>T on the plus strand (C>A on the coding strand, the complement: DCHS1 is on the minus strand). VCF-style: chr11-6632336-G-T. GRCh37 (hg19) VCF-style: chr11-6653567-G-T.
Other names: short protein forms A1059E.
Identifiers: ClinVar variation 722193 (VCV000722193.13), dbSNP rs556982880, ClinGen allele CA5860593.